The following is an entry in ClinVar:

ClinVar aggregate classification (germline): Uncertain significance (0 of 4 stars; one submission).

Conditions:
Autism (AUTS). Also called: Autistic disorder of childhood onset; Autistic disorder. Identifiers: MedGen C0004352, MeSH D001321, MONDO:0005260, OMIM 209850, HP:0000717.

Submission:

Centre for Addiction & Mental Health
Classification: Uncertain significance for Autism. Review status: no assertion criteria provided. Collection method: research. Allele origin: biparental. Affected: yes. Observed: 1 homozygote. Segregation with disease observed.
Comment: Gene not previously associated with disease; independent supportng evidence needed

NM_175571.4(GIMAP8):c.1953_1954del (p.Gln652fs)

Genes: GIMAP8 (GTPase, IMAP family member 8; plus strand), LOC126860223 (CDK7 strongly-dependent group 2 enhancer GRCh37_chr7:150173983-150175182; plus strand). Cytogenetic location: 7q36.1.
Variant type: Deletion.
Coding change: c.1953_1954del on transcript NM_175571.4 (MANE Select); coding-DNA positions 1953 to 1954, 2 bases deleted (CC; older notation c.1953_1954delCC).
Protein change: p.Gln652fs; shifts the reading frame from glutamine 652.
Molecular consequence: frameshift variant.
Genome position (GRCh38, 1-based): chr7:150,477,735-150,477,736, CC deleted; deleting any 2 consecutive bases within chr7:150,477,734-150,477,736 gives the same sequence; the c. name uses the placement nearest the transcript's 3' end. VCF-style (leftmost placement, unchanged base first): chr7-150477733-TCC-T. GRCh37 (hg19) VCF-style: chr7-150174821-TCC-T.
Other names: short protein forms Q652fs.
Identifiers: ClinVar variation 3338203 (VCV003338203.2).